The following is an entry in ClinVar:

ClinVar aggregate classification (germline): Pathogenic. Review status: criteria provided, multiple submitters, no conflicts (2 of 4 stars). 3 submissions from 3 submitters: Pathogenic (2). 1 of the submissions does not count toward it. Last evaluated 2022-08-20.

Conditions:
Spastic tetraplegia and axial hypotonia, progressive. Also called: SOD1 DEFICIENCY, AUTOSOMAL RECESSIVE. Identifiers: MedGen C5231422, MONDO:0032828, OMIM 618598.
Amyotrophic lateral sclerosis type 1 (ALS1). Also called: AMYOTROPHIC LATERAL SCLEROSIS 1, FAMILIAL. Identifiers: Orphanet 803, MedGen C1862939, MONDO:0007103, OMIM 105400.

Allele frequency attached by ClinVar (database versions not stated): gnomAD exomes below 0.00001; TOPMed below 0.00001.

Submissions (3):

Labcorp Genetics (formerly Invitae), Labcorp
Classification: Pathogenic for Amyotrophic lateral sclerosis type 1. Last evaluated: 2022-08-20. Review status: criteria provided, single submitter. Criteria: Invitae Variant Classification Sherloc (09022015). Collection method: clinical testing. Allele origin: germline.
Comment: This variant is present in population databases (rs121912433, gnomAD 0.0009%). This missense change has been observed in individuals with autosomal dominant amyotrophic lateral sclerosis (PMID: 8446170, 19488901, 21755517). It has also been observed to segregate with disease in related individuals. This sequence change replaces glycine, which is neutral and non-polar, with serine, which is neutral and polar, at codon 42 of the SOD1 protein (p.Gly42Ser). This variant is also known as Gly41Ser. ClinVar contains an entry for this variant (Variation ID: 14754). Advanced modeling of protein sequence and biophysical properties (such as structural, functional, and spatial information, amino acid conservation, physicochemical variation, residue mobility, and thermodynamic stability) performed at Invitae indicates that this missense variant is expected to disrupt SOD1 protein function. Experimental studies have shown that this missense change affects SOD1 function (PMID: 19483195, 20404329). This variant disrupts the p.Gly42 amino acid residue in SOD1. Other variant(s) that disrupt this residue have been determined to be pathogenic (PMID: 8446170, 9029070, 16291929, 16793335, 26069299, 28291249). This suggests that this residue is clinically significant, and that variants that disrupt this residue are likely to be disease-causing. For these reasons, this variant has been classified as Pathogenic.

Fulgent Genetics
Classification: Pathogenic for Amyotrophic lateral sclerosis type 1; Spastic tetraplegia and axial hypotonia, progressive. Last evaluated: 2022-01-07. Review status: criteria provided, single submitter. Criteria: ACMG Guidelines, 2015. Collection method: clinical testing. Allele origin: unknown.

OMIM
Classification: Pathogenic for AMYOTROPHIC LATERAL SCLEROSIS 1. Last evaluated: 1993-03-04. Review status: no assertion criteria provided. Collection method: literature only. Allele origin: germline. Not counted in ClinVar's aggregate classification.

Literature cited by the submitters: PubMed 8446170 (cited by Labcorp Genetics (formerly Invitae), Labcorp and OMIM); PubMed 19488901 (cited by Labcorp Genetics (formerly Invitae), Labcorp); PubMed 21755517 (cited by Labcorp Genetics (formerly Invitae), Labcorp); PubMed 19483195 (cited by Labcorp Genetics (formerly Invitae), Labcorp); PubMed 20404329 (cited by Labcorp Genetics (formerly Invitae), Labcorp); PubMed 9029070 (cited by Labcorp Genetics (formerly Invitae), Labcorp); PubMed 16291929 (cited by Labcorp Genetics (formerly Invitae), Labcorp); PubMed 16793335 (cited by Labcorp Genetics (formerly Invitae), Labcorp); PubMed 26069299 (cited by Labcorp Genetics (formerly Invitae), Labcorp); PubMed 28291249 (cited by Labcorp Genetics (formerly Invitae), Labcorp).

NM_000454.5(SOD1):c.124G>A (p.Gly42Ser)

Gene: SOD1 (superoxide dismutase 1; plus strand). Cytogenetic location: 21q22.11.
Variant type: single nucleotide variant.
Coding change: c.124G>A on transcript NM_000454.5 (MANE Select); coding-DNA position 124, G replaced by A.
Protein change: p.Gly42Ser; replaces glycine 42 with serine.
Molecular consequence: missense variant.
Genome position (GRCh38, 1-based): chr21:31,663,841, G>A. VCF-style: chr21-31663841-G-A. GRCh37 (hg19) VCF-style: chr21-33036154-G-A.
Other names: G41S; short protein forms G42S.
Identifiers: ClinVar variation 14754 (VCV000014754.7), dbSNP rs121912433, ClinGen allele CA257315.